The following is an entry in ClinVar:

NM_003049.4(SLC10A1):c.944-8C>T

Gene: SLC10A1 (solute carrier family 10 member 1; minus strand). Cytogenetic location: 14q24.1.
Variant type: single nucleotide variant.
Coding change: c.944-8C>T on transcript NM_003049.4 (MANE Select); 8 bases into the intron before coding-DNA position 944, C replaced by T.
Molecular consequence: intron variant.
Genome position (GRCh38, 1-based): chr14:69,776,396, G>A on the plus strand (C>T on the coding strand, the complement: SLC10A1 is on the minus strand). VCF-style: chr14-69776396-G-A. GRCh37 (hg19) VCF-style: chr14-70243113-G-A.
Identifiers: ClinVar variation 4991191 (VCV004991191.1).

ClinVar aggregate classification (germline): Likely benign (1 of 4 stars; one submission).

Conditions:
SLC10A1-related disorder. Also called: SLC10A1-related condition.

Submission:

PreventionGenetics, part of Exact Sciences
Classification: Likely benign for SLC10A1-related condition. Last evaluated: 2026-06-12. Review status: criteria provided, single submitter. Criteria: ACMG Guidelines, 2015. Collection method: clinical testing. Allele origin: germline.
Comment: This variant is classified as likely benign based on ACMG/AMP sequence variant interpretation guidelines (Richards et al. 2015 PMID: 25741868, with internal and published modifications).